The following is an entry in ClinVar:

ClinVar aggregate classification (germline): Uncertain significance (1 of 4 stars; one submission).

Conditions:
Insulin-dependent diabetes mellitus secretory diarrhea syndrome (IPEX). Also called: X-Linked Autoimmunity-Allergic Dysregulation Syndrome; Immunodeficiency, Polyendocrinopathy, and Enteropathy X-Linked Syndrome; X-Linked Syndrome of Polyendocrinopathy, Immune Dysfunction, and Diarrhea; IMMUNODEFICIENCY, POLYENDOCRINOPATHY, AND ENTEROPATHY, X-LINKED; IPEX and IPEX-Like; DIABETES MELLITUS, CONGENITAL INSULIN-DEPENDENT, WITH FATAL SECRETORY DIARRHEA. Identifiers: Orphanet 37042, MedGen C0342288, MONDO:0010580, OMIM 304790. Disease mechanism: loss of function.

Submission:

Labcorp Genetics (formerly Invitae), Labcorp
Classification: Uncertain significance for Insulin-dependent diabetes mellitus secretory diarrhea syndrome. Last evaluated: 2018-08-12. Review status: criteria provided, single submitter. Criteria: Invitae Variant Classification Sherloc (09022015). Collection method: clinical testing. Allele origin: germline.
Comment: In summary, the available evidence is currently insufficient to determine the role of this variant in disease. Therefore, it has been classified as a Variant of Uncertain Significance. This sequence change replaces serine with isoleucine at codon 181 of the FOXP3 protein (p.Ser181Ile). The serine residue is weakly conserved and there is a large physicochemical difference between serine and isoleucine. This variant also falls at the last nucleotide of exon 5 of the FOXP3 coding sequence, which is part of the consensus splice site for this exon. This variant is not present in population databases (ExAC no frequency). This variant has not been reported in the literature in individuals with FOXP3-related disease. Algorithms developed to predict the effect of missense changes on protein structure and function (SIFT, PolyPhen-2, Align-GVGD) all suggest that this variant is likely to be tolerated, but these predictions have not been confirmed by published functional studies and their clinical significance is uncertain. Nucleotide substitutions within the consensus splice site are a relatively common cause of aberrant splicing (PMID: 17576681, 9536098). Algorithms developed to predict the effect of sequence changes on RNA splicing suggest that this variant may disrupt the consensus splice site, but this prediction has not been confirmed by published transcriptional studies.

Literature cited by the submitters: PubMed 17576681; PubMed 9536098.

NM_014009.4(FOXP3):c.542G>T (p.Ser181Ile)

Gene: FOXP3 (forkhead box P3; minus strand). Cytogenetic location: Xp11.23.
Variant type: single nucleotide variant.
Coding change: c.542G>T on transcript NM_014009.4 (MANE Select); coding-DNA position 542, G replaced by T.
Protein change: p.Ser181Ile; replaces serine 181 with isoleucine.
Molecular consequence: missense variant.
Genome position (GRCh38, 1-based): chrX:49,256,925, C>A on the plus strand (G>T on the coding strand, the complement: FOXP3 is on the minus strand). VCF-style: chrX-49256925-C-A. GRCh37 (hg19) VCF-style: chrX-49113382-C-A.
Other names: c.437G>T, p.Ser146Ile (NM_001114377.2); short protein forms S181I, S146I.
Identifiers: ClinVar variation 650659 (VCV000650659.8), dbSNP rs1602686006, ClinGen allele CA412952332.